The following is an entry in ClinVar:

NM_000094.4(COL7A1):c.2549A>G (p.Asp850Gly)

Gene: COL7A1 (collagen type VII alpha 1 chain; minus strand). Cytogenetic location: 3p21.31.
Variant type: single nucleotide variant.
Coding change: c.2549A>G on transcript NM_000094.4 (MANE Select); coding-DNA position 2549, A replaced by G.
Protein change: p.Asp850Gly; replaces aspartic acid 850 with glycine.
Molecular consequence: missense variant.
Genome position (GRCh38, 1-based): chr3:48,588,680, T>C on the plus strand (A>G on the coding strand, the complement: COL7A1 is on the minus strand). VCF-style: chr3-48588680-T-C. GRCh37 (hg19) VCF-style: chr3-48626113-T-C.
Other names: short protein forms D850G.
Identifiers: ClinVar variation 2848543 (VCV002848543.3), dbSNP rs2531258541, ClinGen allele CA352718795.

ClinVar aggregate classification (germline): Uncertain significance (1 of 4 stars; one submission).

Submission:

Labcorp Genetics (formerly Invitae), Labcorp
Classification: Uncertain significance. Last evaluated: 2023-12-11. Review status: criteria provided, single submitter. Criteria: Invitae Variant Classification Sherloc (09022015). Collection method: clinical testing. Allele origin: germline.
Comment: This sequence change replaces aspartic acid, which is acidic and polar, with glycine, which is neutral and non-polar, at codon 850 of the COL7A1 protein (p.Asp850Gly). This variant is not present in population databases (gnomAD no frequency). This variant has not been reported in the literature in individuals affected with COL7A1-related conditions. Advanced modeling of protein sequence and biophysical properties (such as structural, functional, and spatial information, amino acid conservation, physicochemical variation, residue mobility, and thermodynamic stability) performed at Invitae indicates that this missense variant is not expected to disrupt COL7A1 protein function with a negative predictive value of 95%. In summary, the available evidence is currently insufficient to determine the role of this variant in disease. Therefore, it has been classified as a Variant of Uncertain Significance.